The following is an entry in ClinVar:

NM_022124.6(CDH23):c.478del (p.Asp160fs)

Gene: CDH23 (cadherin related 23; plus strand). Cytogenetic location: 10q22.1.
Variant type: Deletion.
Coding change: c.478del on transcript NM_022124.6 (MANE Select); coding-DNA position 478, one base deleted (G; older notation c.478delG).
Protein change: p.Asp160fs; shifts the reading frame from aspartic acid 160.
Molecular consequence: frameshift variant.
Genome position (GRCh38, 1-based): chr10:71,566,790, G deleted. VCF-style (leftmost placement, unchanged base first): chr10-71566789-CG-C. GRCh37 (hg19) VCF-style: chr10-73326546-CG-C.
Other names: c.478del, p.Asp160fs (NM_001171930.2, NM_001171931.2, NM_001171932.2 and 1 more transcripts); short protein forms D160fs.
Identifiers: ClinVar variation 1526189 (VCV001526189.1), dbSNP rs2132358279, ClinGen allele CA2573145351.
Genomic context (GRCh38, chr10:71,566,789, plus strand): 5'-CTCTCATCCCCAGAATACACCAGTGGGGACGCCCATCTTCATCGTGAATGCCACAGACCC[CG>C]ACTTGGGGGCAGGGGGCAGCGTCCTCTACTCCTTCCAGCCCCCCTCCCAATTCTTCGCCA-3'

ClinVar aggregate classification (germline): Likely pathogenic (1 of 4 stars; one submission).

Conditions:
Autosomal recessive nonsyndromic hearing loss 12. Also called: DEAFNESS, AUTOSOMAL RECESSIVE 12. Identifiers: Orphanet 90636, MedGen C1832394, MONDO:0011067, OMIM 601386.

Submission:

3billion
Classification: Likely pathogenic for Autosomal recessive nonsyndromic hearing loss 12. Last evaluated: 2022-03-22. Review status: criteria provided, single submitter. Criteria: ACMG Guidelines, 2015. Collection method: clinical testing. Allele origin: germline. Affected: yes. Observed: 1 heterozygote.
Comment: Frameshift: predicted to result in a loss or disruption of normal protein function through nonsense-mediated decay (NMD) or protein truncation. Multiple pathogenic variants are reported downstream of the variant.It is not observed in the gnomAD v2.1.1 dataset. Therefore, this variant is classified as likely pathogenic according to the recommendation of ACMG/AMP guideline.